The following is an entry in ClinVar:

ClinVar aggregate classification (germline): Likely benign (1 of 4 stars; one submission).

Submission:

CeGaT Center for Human Genetics Tuebingen
Classification: Likely benign. Last evaluated: 2024-06-01. Review status: criteria provided, single submitter. Criteria: CeGaT Center For Human Genetics Tuebingen Variant Classification Criteria Version 2. Collection method: clinical testing. Allele origin: germline. Affected: yes. Observed: 1 variant allele.
Comment: SOS1: PM2:Supporting, BP4, BP7

NM_005633.4(SOS1):c.2499G>T (p.Leu833=)

Gene: SOS1 (SOS Ras/Rac guanine nucleotide exchange factor 1; minus strand). Cytogenetic location: 2p22.1.
Variant type: single nucleotide variant.
Coding change: c.2499G>T on transcript NM_005633.4 (MANE Select); coding-DNA position 2499, G replaced by T.
Protein change: p.Leu833=; no amino-acid change (leucine 833 retained).
Molecular consequence: synonymous variant.
Genome position (GRCh38, 1-based): chr2:39,010,595, C>A on the plus strand (G>T on the coding strand, the complement: SOS1 is on the minus strand). VCF-style: chr2-39010595-C-A. GRCh37 (hg19) VCF-style: chr2-39237736-C-A.
Other names: c.2478G>T, p.Leu826= (NM_001382394.1); c.2499G>T, p.Leu833= (NM_001382395.1).
Identifiers: ClinVar variation 3250980 (VCV003250980.18), dbSNP rs1669435129.